The following is an entry in ClinVar:

NM_001184880.2(PCDH19):c.565G>A (p.Glu189Lys)

Gene: PCDH19 (protocadherin 19; minus strand). Cytogenetic location: Xq22.1.
Variant type: single nucleotide variant.
Coding change: c.565G>A on transcript NM_001184880.2 (MANE Select); coding-DNA position 565, G replaced by A.
Protein change: p.Glu189Lys; replaces glutamic acid 189 with lysine.
Molecular consequence: missense variant.
Genome position (GRCh38, 1-based): chrX:100,408,033, C>T on the plus strand (G>A on the coding strand, the complement: PCDH19 is on the minus strand). VCF-style: chrX-100408033-C-T. GRCh37 (hg19) VCF-style: chrX-99663031-C-T.
Other names: c.565G>A, p.Glu189Lys (NM_001105243.2, NM_020766.3); short protein forms E189K.
Identifiers: ClinVar variation 4282298 (VCV004282298.1).

ClinVar aggregate classification (germline): Uncertain significance (1 of 4 stars; one submission).

Submission:

GeneDx
Classification: Uncertain significance. Last evaluated: 2025-04-16. Review status: criteria provided, single submitter. Criteria: GeneDx Variant Classification Process June 2021. Collection method: clinical testing. Allele origin: germline. Affected: yes.
Comment: Not observed at significant frequency in large population cohorts (gnomAD); In silico analysis supports that this missense variant has a deleterious effect on protein structure/function; Has not been previously published as pathogenic or benign to our knowledge